The following is an entry in ClinVar:

NM_001358530.2(MOCS1):c.250+2T>C

Gene: MOCS1 (molybdenum cofactor synthesis 1; minus strand). Cytogenetic location: 6p21.2.
Variant type: single nucleotide variant.
Coding change: c.250+2T>C on transcript NM_001358530.2 (MANE Select); the canonical splice donor site of the intron after coding-DNA position 250, T replaced by C.
Molecular consequence: splice donor variant. On other transcripts: intron variant (2).
Genome position (GRCh38, 1-based): chr6:39,927,327, A>G on the plus strand (T>C on the coding strand, the complement: MOCS1 is on the minus strand). VCF-style: chr6-39927327-A-G. GRCh37 (hg19) VCF-style: chr6-39895066-A-G.
Other names: c.-11-1482T>C (NM_001358531.2, NM_001358533.2); c.250+2T>C (NM_001358529.2, NM_001075098.4, NM_005943.6); c.-12+2T>C (NM_001358534.2).
Identifiers: ClinVar variation 4803389 (VCV004803389.1).
Genomic context (GRCh38, chr6:39,927,327, plus strand): 5'-ATTTCAAGGGCTGCTTCAGCAGATGGACACCAGCCCAGAGAGGGCCCAGGAAGGTGACTC[A>G]CATCTGAGGTTGCACTTCTCTGTGAGGGAGATCCGCAGGTAGCTGTGCTGCCGGCCGAAG-3'

ClinVar aggregate classification (germline): Likely pathogenic (1 of 4 stars; one submission).

Conditions:
Sulfite oxidase deficiency due to molybdenum cofactor deficiency type A. Also called: Molybdenum cofactor deficiency, complementation group A; Molybdenum Cofactor Deficiency A. Identifiers: Orphanet 308386, Orphanet 833, MedGen C1854988, MONDO:0009643, OMIM 252150.

gnomAD v4.1: 1 of 1,609,858 alleles (0.000062%); highest among the groups gnomAD compares: Non-Finnish European, 0.000085%; no homozygotes.

Submission:

Labcorp Genetics (formerly Invitae), Labcorp
Classification: Likely pathogenic for Sulfite oxidase deficiency due to molybdenum cofactor deficiency type A. Last evaluated: 2026-01-26. Review status: criteria provided, single submitter. Criteria: Invitae Variant Classification Sherloc (09022015). Collection method: clinical testing. Allele origin: germline.
Comment: This sequence change affects a donor splice site in intron 2 of the MOCS1 gene. It is expected to disrupt RNA splicing. Variants that disrupt the donor or acceptor splice site typically lead to a loss of protein function (PMID: 16199547), and loss-of-function variants in MOCS1 are known to be pathogenic (PMID: 12754701, 16021469). This variant is present in population databases (rs770811218, gnomAD 0.004%). This variant has not been reported in the literature in individuals affected with MOCS1-related conditions. Algorithms developed to predict the effect of sequence changes on RNA splicing suggest that this variant may disrupt the consensus splice site. In summary, the currently available evidence indicates that the variant is pathogenic, but additional data are needed to prove that conclusively. Therefore, this variant has been classified as Likely Pathogenic.

Literature cited by the submitters: PubMed 16199547; PubMed 12754701; PubMed 16021469.